The following is an entry in ClinVar:

NM_000330.4(RS1):c.668G>T (p.Cys223Phe)

Genes: CDKL5 (cyclin dependent kinase like 5; plus strand), RS1 (retinoschisin 1; minus strand). Cytogenetic location: Xp22.13.
Variant type: single nucleotide variant.
Coding change: c.668G>T on transcript NM_000330.4 (MANE Select); coding-DNA position 668, G replaced by T.
Protein change: p.Cys223Phe; replaces cysteine 223 with phenylalanine.
Molecular consequence: missense variant. On other transcripts: intron variant (2).
Genome position (GRCh38, 1-based): chrX:18,642,011, C>A on the plus strand (G>T on the coding strand, the complement: RS1 is on the minus strand). VCF-style: chrX-18642011-C-A. GRCh37 (hg19) VCF-style: chrX-18660131-C-A.
Other names: NM_003159.3:c.2714-3996C>A; c.2714-3996C>A (NM_003159.3, NM_001037343.2); short protein forms C223F.
Identifiers: ClinVar variation 4279584 (VCV004279584.1).

ClinVar aggregate classification (germline): Likely pathogenic (3 of 4 stars; one submission).

Conditions:
Juvenile retinoschisis (RS1). Also called: X-linked retinoschisis; X-Linked Juvenile Retinoschisis. Identifiers: Orphanet 792, MedGen C3714753, MONDO:0010725, OMIM 312700.

gnomAD v4.1: 1 of 1,211,416 alleles (0.000083%); highest among the groups gnomAD compares: Non-Finnish European, 0.00011%; no homozygotes.

Submission:

ClinGen X-linked Inherited Retinal Disease Variant Curation Expert Panel, ClinGen
Classification: Likely pathogenic for Juvenile retinoschisis. Last evaluated: 2025-09-19. Review status: reviewed by expert panel. Criteria: ClinGen X LinkedIRD ACMG Specifications RS1 V1.0.0. Collection method: curation. Allele origin: germline. Inheritance: X-linked inheritance.
Comment: NM_000330.4(RS1):c.668G>T (p.Cys223Phe) is a missense variant encoding the substitution of phenylalanine with cysteine at amino acid 223. Another missense variant in the same codon, NM_000330.4(RS1):c.667T>C (p.Cys223Arg), (PMIDs: 34645606, 10533068, 30652005, 33460243, 16361673) has been classified as pathogenic for X-linked retinoschisis by the ClinGen X-linked IRD VCEP, while no benign missense variants have been identified in this codon. The present variant has a higher Grantham’s distance (205) than the comparison variant (180), and SpliceAI has been used to confirm that neither variant has a predicted impact on RS1 splicing (PM5). This variant is absent from hemizygous individuals in gnomAD v4.1.0 (PM2_Supporting). The computational predictor REVEL gives a score of 0.934, which is above the ClinGen X-linked IRD VCEP threshold of >0.932 and predicts a damaging effect on RS1 function (PP3_Strong). The computational splicing predictor SpliceAI gives a delta score of 0.00, which is below the ClinGen X-linked IRD VCEP threshold of ≥0.2 and does not predict that the variant disrupts RS1 splicing. This variant is a missense substitution affecting a critical amino acid residue involved in disulfide bridge formation as defined by the ClinGen X-linked IRD VCEP (PMID: 26812435). However, the PP3_Strong code has been met, which is ineligible to be used in combination with the PM1 code at any strength, so the PM1 code was not met. In summary, this variant is classified as likely pathogenic for X-linked retinoschisis based on the ClinGen X-linked Inherited Retinal Disease Expert Panel Specifications to the ACMG/AMP Variant Interpretation Guidelines for RS1 Version 1.0.0: PM2_Supporting, PP3_Strong, and PM5.